The following is an entry in ClinVar:

ClinVar aggregate classification (germline): Uncertain significance (1 of 4 stars; one submission).

Conditions:
Cardiovascular phenotype. Identifiers: MedGen CN230736.

Allele frequency attached by ClinVar (database versions not stated): gnomAD exomes below 0.00001; gnomAD 0.00001.
gnomAD v4.1: 5 of 1,613,954 alleles (0.00031%); highest among the groups gnomAD compares: African/African-American, 0.0013%; no homozygotes.

Submission:

Ambry Genetics
Classification: Uncertain significance for Cardiovascular phenotype. Last evaluated: 2020-01-03. Review status: criteria provided, single submitter. Criteria: Ambry Variant Classification Scheme 2023. Collection method: clinical testing. Allele origin: germline.
Comment: The p.L129P variant (also known as c.386T>C), located in coding exon 2 of the SNTA1 gene, results from a T to C substitution at nucleotide position 386. The leucine at codon 129 is replaced by proline, an amino acid with similar properties. This amino acid position is highly conserved in available vertebrate species. In addition, this alteration is predicted to be deleterious by in silico analysis. Since supporting evidence is limited at this time, the clinical significance of this alteration remains unclear.

NM_003098.3(SNTA1):c.386T>C (p.Leu129Pro)

Gene: SNTA1 (syntrophin alpha 1; minus strand). Cytogenetic location: 20q11.21.
Variant type: single nucleotide variant.
Coding change: c.386T>C on transcript NM_003098.3 (MANE Select); coding-DNA position 386, T replaced by C.
Protein change: p.Leu129Pro; replaces leucine 129 with proline.
Molecular consequence: missense variant.
Genome position (GRCh38, 1-based): chr20:33,438,951, A>G on the plus strand (T>C on the coding strand, the complement: SNTA1 is on the minus strand). VCF-style: chr20-33438951-A-G. GRCh37 (hg19) VCF-style: chr20-32026757-A-G.
Other names: short protein forms L129P.
Identifiers: ClinVar variation 1735691 (VCV001735691.2), dbSNP rs1990512022, ClinGen allele CA408633520.